The following is an entry in ClinVar:

NM_015512.5(DNAH1):c.2494C>G (p.Leu832Val)

Gene: DNAH1 (dynein axonemal heavy chain 1; plus strand). Cytogenetic location: 3p21.1.
Variant type: single nucleotide variant.
Coding change: c.2494C>G on transcript NM_015512.5 (MANE Select); coding-DNA position 2494, C replaced by G.
Protein change: p.Leu832Val; replaces leucine 832 with valine.
Molecular consequence: missense variant.
Genome position (GRCh38, 1-based): chr3:52,349,388, C>G. VCF-style: chr3-52349388-C-G. GRCh37 (hg19) VCF-style: chr3-52383404-C-G.
Other names: short protein forms L832V.
Identifiers: ClinVar variation 3770013 (VCV003770013.1).

ClinVar aggregate classification (germline): Uncertain significance (1 of 4 stars; one submission).

Submission:

GeneDx
Classification: Uncertain significance. Last evaluated: 2024-09-16. Review status: criteria provided, single submitter. Criteria: GeneDx Variant Classification Process June 2021. Collection method: clinical testing. Allele origin: germline. Affected: yes.
Comment: Not observed at significant frequency in large population cohorts (gnomAD); In silico analysis indicates that this missense variant does not alter protein structure/function; Has not been previously published as pathogenic or benign to our knowledge